The following is an entry in ClinVar:

NM_000454.5(SOD1):c.415G>T (p.Gly139Ter)

Gene: SOD1 (superoxide dismutase 1; plus strand). Cytogenetic location: 21q22.11.
Variant type: single nucleotide variant.
Coding change: c.415G>T on transcript NM_000454.5 (MANE Select); coding-DNA position 415, G replaced by T.
Protein change: p.Gly139Ter; replaces glycine 139 with a stop codon.
Molecular consequence: nonsense.
Genome position (GRCh38, 1-based): chr21:31,668,528, G>T. VCF-style: chr21-31668528-G-T. GRCh37 (hg19) VCF-style: chr21-33040841-G-T.
Other names: short protein forms G139*.
Identifiers: ClinVar variation 4684991 (VCV004684991.1).

ClinVar aggregate classification (germline): Likely pathogenic (1 of 4 stars; one submission).

Conditions:
Amyotrophic lateral sclerosis type 1 (ALS1). Also called: AMYOTROPHIC LATERAL SCLEROSIS 1, FAMILIAL. Identifiers: Orphanet 803, MedGen C1862939, MONDO:0007103, OMIM 105400.

Submission:

Human Genome Lab, NIMHANS, National Institute of Mental Health and Neuro Sciences
Classification: Likely pathogenic for Amyotrophic lateral sclerosis type 1. Review status: criteria provided, single submitter. Criteria: ACMG Guidelines, 2015. Collection method: clinical testing. Allele origin: germline. Inheritance: Autosomal dominant inheritance. Affected: yes. Observed: 1 heterozygote.
Comment: The stop gained NM_000454.5(SOD1):c.415G>T (p.Gly139Ter) has not been reported previously as a pathogenic variant nor as a benign variant, to our knowledge. The p.Gly139Ter variant is novel (not in any individuals) in 1kG All. The p.Gly139Ter variant is novel (not in any individuals) in gnomAD v4 All. The p.Gly139Ter variant is novel (not in any individuals) in TopMed. This variant is predicted to cause loss of normal protein function through protein truncation. There is another pathogenic loss of function variant 8 residues downstream of this variant, indicating that the region is critical to protein function. The p.Gly139Ter variant is a loss of function variant in the gene SOD1, which is intolerant of Loss of Function variants, as indicated by the presence of existing pathogenic loss of function variant NP_000445.1:p.K129Qfs*5. For these reasons, this variant has been classified as Likely Pathogenic.